The following is an entry in ClinVar:

NM_000719.7(CACNA1C):c.3886G>A (p.Val1296Ile)

Gene: CACNA1C (calcium voltage-gated channel subunit alpha1 C; plus strand). Cytogenetic location: 12p13.33.
Variant type: single nucleotide variant.
Coding change: c.3886G>A on transcript NM_000719.7 (MANE Select); coding-DNA position 3886, G replaced by A.
Protein change: p.Val1296Ile; replaces valine 1296 with isoleucine.
Molecular consequence: missense variant. On other transcripts: intron variant (6).
Genome position (GRCh38, 1-based): chr12:2,634,354, G>A. VCF-style: chr12-2634354-G-A. GRCh37 (hg19) VCF-style: chr12-2743520-G-A.
Other names: c.4030G>A, p.Val1344Ile (NM_001129827.2, NM_199460.4); c.3886G>A, p.Val1296Ile (NM_001129829.2, NM_001129830.3, NM_001129834.2 and 8 more transcripts); c.3970G>A, p.Val1324Ile (NM_001129831.2, NM_001129836.2); c.3946G>A, p.Val1316Ile (NM_001129832.2); c.3912+642G>A (NM_001167624.3, NM_001167623.2, NM_001129833.2 and 2 more transcripts); c.3903+642G>A (NM_001129844.2); short protein forms V1296I, V1316I, V1324I, V1344I.
Identifiers: ClinVar variation 3029478 (VCV003029478.2), dbSNP rs2524412922, ClinGen allele CA383380253.

ClinVar aggregate classification (germline): Uncertain significance (0 of 4 stars; one submission).

Conditions:
CACNA1C-related disorder. Also called: CACNA1C-related disorders; CACNA1C-related condition. Identifiers: MedGen CN381092, MONDO:0700321.

Submission:

PreventionGenetics, part of Exact Sciences
Classification: Uncertain significance for CACNA1C-related condition. Last evaluated: 2024-02-05. Review status: no assertion criteria provided. Collection method: clinical testing. Allele origin: germline.
Comment: The CACNA1C c.3886G>A variant is predicted to result in the amino acid substitution p.Val1296Ile. To our knowledge, this variant has not been reported in the literature or in a large population database, indicating this variant is rare. At this time, the clinical significance of this variant is uncertain due to the absence of conclusive functional and genetic evidence.